The following is an entry in ClinVar:

ClinVar aggregate classification (germline): Uncertain significance (1 of 4 stars; one submission).

Submission:

GeneDx
Classification: Uncertain significance. Last evaluated: 2020-10-05. Review status: criteria provided, single submitter. Criteria: GeneDx Variant Classification Process June 2021. Collection method: clinical testing. Allele origin: germline. Affected: yes.
Comment: Not observed in large population cohorts (Lek et al., 2016); In silico analysis supports that this missense variant does not alter protein structure/function; Has not been previously published as pathogenic or benign to our knowledge

NM_014927.5(CNKSR2):c.868A>G (p.Ile290Val)

Gene: CNKSR2 (connector enhancer of kinase suppressor of Ras 2; plus strand). Cytogenetic location: Xp22.12.
Variant type: single nucleotide variant.
Coding change: c.868A>G on transcript NM_014927.5 (MANE Select); coding-DNA position 868, A replaced by G.
Protein change: p.Ile290Val; replaces isoleucine 290 with valine.
Molecular consequence: missense variant. On other transcripts: intron variant (4).
Genome position (GRCh38, 1-based): chrX:21,516,542, A>G. VCF-style: chrX-21516542-A-G. GRCh37 (hg19) VCF-style: chrX-21534660-A-G.
Other names: c.868A>G, p.Ile290Val (NM_001168647.3, NM_001168648.3, NM_001330773.2); c.811-10325A>G (NM_001330770.2, NM_001330772.2, NM_001168649.3 and 1 more transcripts); short protein forms I290V.
Identifiers: ClinVar variation 1312979 (VCV001312979.2), dbSNP rs2147096468, ClinGen allele CA412550470.